The following is an entry in ClinVar:

NM_001365999.1(SZT2):c.8224C>T (p.Arg2742Cys)

Gene: SZT2 (SZT2 subunit of KICSTOR complex; plus strand). Cytogenetic location: 1p34.2.
Variant type: single nucleotide variant.
Coding change: c.8224C>T on transcript NM_001365999.1 (MANE Select); coding-DNA position 8224, C replaced by T.
Protein change: p.Arg2742Cys; replaces arginine 2742 with cysteine.
Molecular consequence: missense variant.
Genome position (GRCh38, 1-based): chr1:43,442,891, C>T. VCF-style: chr1-43442891-C-T. GRCh37 (hg19) VCF-style: chr1-43908562-C-T.
Other names: c.8053C>T, p.Arg2685Cys (NM_015284.4); short protein forms R2685C, R2742C.
Identifiers: ClinVar variation 1481584 (VCV001481584.4), dbSNP rs760152706, ClinGen allele CA810488.

ClinVar aggregate classification (germline): Uncertain significance. Review status: criteria provided, multiple submitters, no conflicts (2 of 4 stars). 2 submissions from 2 submitters: Uncertain significance (2). Last evaluated 2022-08-12.

Allele frequency attached by ClinVar (database versions not stated): TOPMed below 0.00001; gnomAD exomes 0.00001 and 0.00002; ExAC 0.00002.
gnomAD v4.1: 16 of 1,614,048 alleles (0.00099%); highest among the groups gnomAD compares: Middle Eastern, 0.016%; no homozygotes.

Submissions (2):

Blueprint Genetics
Classification: Uncertain significance. Last evaluated: 2022-08-12. Review status: criteria provided, single submitter. Criteria: ACMG Guidelines, 2015. Collection method: clinical testing. Allele origin: germline.

Labcorp Genetics (formerly Invitae), Labcorp
Classification: Uncertain significance. Last evaluated: 2021-07-29. Review status: criteria provided, single submitter. Criteria: Invitae Variant Classification Sherloc (09022015). Collection method: clinical testing. Allele origin: germline.
Comment: This sequence change replaces arginine with cysteine at codon 2685 of the SZT2 protein (p.Arg2685Cys). The arginine residue is highly conserved and there is a large physicochemical difference between arginine and cysteine. This variant is present in population databases (rs760152706, ExAC 0.01%). This variant has not been reported in the literature in individuals affected with SZT2-related conditions. Algorithms developed to predict the effect of missense changes on protein structure and function (SIFT, PolyPhen-2, Align-GVGD) all suggest that this variant is likely to be disruptive. In summary, the available evidence is currently insufficient to determine the role of this variant in disease. Therefore, it has been classified as a Variant of Uncertain Significance.